The following is an entry in ClinVar:

NM_004036.5(ADCY3):c.2172+1G>T

Gene: ADCY3 (adenylate cyclase 3; minus strand). Cytogenetic location: 2p23.3.
Variant type: single nucleotide variant.
Coding change: c.2172+1G>T on transcript NM_004036.5 (MANE Select); the canonical splice donor site of the intron after coding-DNA position 2172, G replaced by T.
Molecular consequence: splice donor variant.
Genome position (GRCh38, 1-based): chr2:24,830,708, C>A on the plus strand (G>T on the coding strand, the complement: ADCY3 is on the minus strand). VCF-style: chr2-24830708-C-A. GRCh37 (hg19) VCF-style: chr2-25053577-C-A.
Other names: c.2172+1G>T (NM_001377130.1, NM_001377129.1, NM_001320613.2 and 1 more transcripts); c.2238+1G>T (NM_001377128.1); c.1449+1G>T (NM_001377131.1).
Identifiers: ClinVar variation 5000124 (VCV005000124.1).

ClinVar aggregate classification (germline): Uncertain significance (1 of 4 stars; one submission).

Conditions:
ADCY3-related disorder. Also called: ADCY3-related condition.

Submission:

PreventionGenetics, part of Exact Sciences
Classification: Uncertain significance for ADCY3-related condition. Last evaluated: 2025-01-16. Review status: criteria provided, single submitter. Criteria: ACMG Guidelines, 2015. Collection method: clinical testing. Allele origin: germline.
Comment: The ADCY3 c.2172+1G>T variant is predicted to disrupt the GT donor site and interfere with normal splicing. To our knowledge, this variant has not been reported in the literature or in a large population database (gnomAD), indicating this variant is rare. Although we suspect that this variant may be pathogenic, at this time, the clinical significance of this variant is uncertain due to the absence of conclusive functional and genetic evidence.